The following is an entry in ClinVar:

ClinVar aggregate classification (germline): Likely pathogenic (1 of 4 stars; one submission).

Conditions:
Dilated cardiomyopathy 1G (CMD1G). Identifiers: Orphanet 154, MedGen C1858763, MONDO:0011400, OMIM 604145.
Autosomal recessive limb-girdle muscular dystrophy type 2J (LGMDR10). Also called: Limb-girdle muscular dystrophy, type 2J; MUSCULAR DYSTROPHY, LIMB-GIRDLE, AUTOSOMAL RECESSIVE 10. Identifiers: Orphanet 140922, MedGen C1837342, MONDO:0012127, OMIM 608807.

Submission:

Labcorp Genetics (formerly Invitae), Labcorp
Classification: Likely pathogenic for Dilated cardiomyopathy 1G; Autosomal recessive limb-girdle muscular dystrophy type 2J. Last evaluated: 2025-12-17. Review status: criteria provided, single submitter. Criteria: Invitae Variant Classification Sherloc (09022015). Collection method: clinical testing. Allele origin: germline.
Comment: This sequence change creates a premature translational stop signal (p.Arg16626delinsSer*) in the TTN gene. While this is not anticipated to result in nonsense mediated decay, it is expected to create a truncated TTN protein. This variant is not present in population databases (gnomAD no frequency). This variant has not been reported in the literature in individuals affected with TTN-related conditions. ClinVar contains an entry for this variant (Variation ID: 940518). Algorithms developed to predict the effect of sequence changes on RNA splicing suggest that this variant may disrupt the consensus splice site. This variant is located in the A band of TTN (PMID: 25589632). Truncating variants in this region are significantly overrepresented in patients affected with dilated cardiomyopathy (PMID: 25589632). Truncating variants in this region have also been reported in individuals affected with autosomal recessive centronuclear myopathy (PMID: 23975875). In summary, the currently available evidence indicates that the variant is pathogenic, but additional data are needed to prove that conclusively. Therefore, this variant has been classified as Likely Pathogenic.

Literature cited by the submitters: PubMed 25589632; PubMed 23975875.

NM_001267550.2(TTN):c.49874_49877dup (p.Arg16626delinsSerTer)

Genes: TTN (titin; minus strand), TTN-AS1 (TTN antisense RNA 1; plus strand). Cytogenetic location: 2q31.2.
Variant type: Duplication.
Coding change: c.49874_49877dup on transcript NM_001267550.2 (MANE Select); coding-DNA positions 49874 to 49877, 4 bases duplicated (TTAG; older notation c.49874_49877dupTTAG).
Protein change: p.Arg16626delinsSerTer.
Molecular consequence: nonsense.
Genome position (GRCh38, 1-based): chr2:178,612,844-178,612,847, CTAA duplicated on the plus strand (TTAG on the coding strand, the reverse complement: TTN is on the minus strand); duplicating any 4 consecutive bases within chr2:178,612,844-178,612,849 gives the same sequence; the c. name uses the placement nearest the transcript's 3' end. VCF-style (leftmost placement, unchanged base first): chr2-178612843-T-TCTAA. GRCh37 (hg19) VCF-style: chr2-179477570-T-TCTAA.
Other names: c.44951_44954dup, p.Arg14985delinsSerTer (NM_001256850.1); c.22679_22682dup, p.Arg7561delinsSerTer (NM_003319.4); c.42170_42173dup, p.Arg14058delinsSerTer (NM_133378.4); c.23054_23057dup, p.Arg7686delinsSerTer (NM_133432.3); c.23255_23258dup, p.Arg7753delinsSerTer (NM_133437.4).
Identifiers: ClinVar variation 940518 (VCV000940518.10), dbSNP rs2056596896, ClinGen allele CA1139657453.